The following is an entry in ClinVar:

ClinVar aggregate classification (germline): Likely benign. Review status: criteria provided, multiple submitters, no conflicts (2 of 4 stars). 2 submissions from 2 submitters: Likely benign (2). Last evaluated 2025-10-01.

Conditions:
Bethlem myopathy 1A. Also called: MYOPATHY, BENIGN CONGENITAL, WITH CONTRACTURES; Bethlem Muscular Dystrophy; Bethlem myopathy 1. Identifiers: Orphanet 610, MedGen CN029274, MONDO:0024530, OMIM 158810.

Allele frequency attached by ClinVar (database versions not stated): TOPMed below 0.00001; ExAC 0.00001; gnomAD exomes 0.00001.
gnomAD v4.1: 18 of 1,613,636 alleles (0.0011%); highest among the groups gnomAD compares: East Asian, 0.0022%; no homozygotes.

Submissions (2):

Labcorp Genetics (formerly Invitae), Labcorp
Classification: Likely benign for Bethlem myopathy 1A. Last evaluated: 2025-10-01. Review status: criteria provided, single submitter. Criteria: Invitae Variant Classification Sherloc (09022015). Collection method: clinical testing. Allele origin: germline.

GeneDx
Classification: Likely benign. Last evaluated: 2016-03-23. Review status: criteria provided, single submitter. Criteria: GeneDx Variant Classification (06012015). Collection method: clinical testing. Allele origin: germline. Affected: yes.
Comment: This variant is considered likely benign or benign based on one or more of the following criteria: it is a conservative change, it occurs at a poorly conserved position in the protein, it is predicted to be benign by multiple in silico algorithms, and/or has population frequency not consistent with disease.

NM_004369.4(COL6A3):c.6283-15C>T

Genes: COL6A3 (collagen type VI alpha 3 chain; minus strand), LOC122889011 (Sharpr-MPRA regulatory region 1020; plus strand). Cytogenetic location: 2q37.3.
Variant type: single nucleotide variant.
Coding change: c.6283-15C>T on transcript NM_004369.4 (MANE Select); 15 bases into the intron before coding-DNA position 6283, C replaced by T.
Molecular consequence: intron variant.
Genome position (GRCh38, 1-based): chr2:237,359,403, G>A on the plus strand (C>T on the coding strand, the complement: COL6A3 is on the minus strand). VCF-style: chr2-237359403-G-A. GRCh37 (hg19) VCF-style: chr2-238268046-G-A.
Other names: c.4462-15C>T (NM_057166.5); c.5665-15C>T (NM_057167.4).
Identifiers: ClinVar variation 385058 (VCV000385058.6), dbSNP rs757187481, ClinGen allele CA2188363.